The following is an entry in ClinVar:

NM_004369.4(COL6A3):c.4141A>T (p.Ile1381Phe)

Gene: COL6A3 (collagen type VI alpha 3 chain; minus strand). Cytogenetic location: 2q37.3.
Variant type: single nucleotide variant.
Coding change: c.4141A>T on transcript NM_004369.4 (MANE Select); coding-DNA position 4141, A replaced by T.
Protein change: p.Ile1381Phe; replaces isoleucine 1381 with phenylalanine.
Molecular consequence: missense variant.
Genome position (GRCh38, 1-based): chr2:237,371,876, T>A on the plus strand (A>T on the coding strand, the complement: COL6A3 is on the minus strand). VCF-style: chr2-237371876-T-A. GRCh37 (hg19) VCF-style: chr2-238280519-T-A.
Other names: c.2920A>T, p.Ile974Phe (NM_057164.5); c.3523A>T, p.Ile1175Phe (NM_057165.5, NM_057167.4); c.2320A>T, p.Ile774Phe (NM_057166.5); short protein forms I1381F, I774F, I1175F, I974F.
Identifiers: ClinVar variation 285062 (VCV000285062.10), dbSNP rs750951694, ClinGen allele CA2188987.
Genomic context (GRCh38, chr2:237,371,876, plus strand): 5'-CCAGGCTGGGCAGCTCCCGGAAGGTGCTCACCGAGAACACATATTCGGGGCTCAGCGAGA[T>A]CTTCACCAGCTCCTCCTGGTCTGCGTTCCTGGCGATCGTGAAAGGGGCCACGCCAAACTG-3'
Protein context (NP_004360.2, residues 1371-1391): RNADQEELVK[Ile1381Phe]SLSPEYVFSV

ClinVar aggregate classification (germline): Uncertain significance. Review status: criteria provided, multiple submitters, no conflicts (2 of 4 stars). 2 submissions from 2 submitters: Uncertain significance (2). Last evaluated 2025-08-23.

Conditions:
Bethlem myopathy 1A. Also called: Bethlem Muscular Dystrophy; MYOPATHY, BENIGN CONGENITAL, WITH CONTRACTURES; Bethlem myopathy 1. Identifiers: Orphanet 610, MedGen CN029274, MONDO:0024530, OMIM 158810.

Allele frequency attached by ClinVar (database versions not stated): gnomAD exomes 0.00001 and 0.00002; TOPMed 0.00001; ExAC 0.00002; gnomAD 0.00002.
gnomAD v4.1: 20 of 1,612,800 alleles (0.0012%); highest among the groups gnomAD compares: Admixed American, 0.012%; no homozygotes.

Submissions (2):

Labcorp Genetics (formerly Invitae), Labcorp
Classification: Uncertain significance for Bethlem myopathy 1A. Last evaluated: 2025-08-23. Review status: criteria provided, single submitter. Criteria: Invitae Variant Classification Sherloc (09022015). Collection method: clinical testing. Allele origin: germline.
Comment: This sequence change replaces isoleucine, which is neutral and non-polar, with phenylalanine, which is neutral and non-polar, at codon 1381 of the COL6A3 protein (p.Ile1381Phe). This variant is present in population databases (rs750951694, gnomAD 0.02%). This missense change has been observed in individual(s) with clinical features of COL6A3-related conditions (internal data). ClinVar contains an entry for this variant (Variation ID: 285062). Invitae Evidence Modeling of protein sequence and biophysical properties (such as structural, functional, and spatial information, amino acid conservation, physicochemical variation, residue mobility, and thermodynamic stability) indicates that this missense variant is expected to disrupt COL6A3 protein function with a positive predictive value of 80%. In summary, the available evidence is currently insufficient to determine the role of this variant in disease. Therefore, it has been classified as a Variant of Uncertain Significance.

Eurofins Ntd Llc (ga)
Classification: Uncertain significance. Last evaluated: 2015-12-04. Review status: criteria provided, single submitter. Criteria: EGL Classification Definitions 2015. Collection method: clinical testing. Allele origin: germline. Observed: 2 variant alleles, 2 heterozygotes.